The following is an entry in ClinVar:

ClinVar aggregate classification (germline): Uncertain significance. Review status: criteria provided, multiple submitters, no conflicts (2 of 4 stars). 4 submissions from 4 submitters: Uncertain significance (3). 1 of the submissions does not count toward it. Last evaluated 2023-05-24.

Conditions:
Hereditary cancer-predisposing syndrome. Also called: Neoplastic Syndromes, Hereditary; Tumor predisposition; Hereditary Cancer Syndrome; Hereditary neoplastic syndrome. Identifiers: Orphanet 140162, MedGen C0027672, MeSH D009386, MONDO:0015356.
Familial cancer of breast. Also called: BREAST CANCER, FAMILIAL; hereditary breast carcinoma; Hereditary breast cancer. Identifiers: Orphanet 227535, MedGen C0346153, MONDO:0016419, OMIM 114480. Disease mechanism: loss of function.

Submissions (4):

Ambry Genetics
Classification: Uncertain significance for Hereditary cancer-predisposing syndrome. Last evaluated: 2023-05-24. Review status: criteria provided, single submitter. Criteria: Ambry Variant Classification Scheme 2023. Collection method: clinical testing. Allele origin: germline.
Comment: The p.F447C variant (also known as c.1340T>G), located in coding exon 11 of the CHEK2 gene, results from a T to G substitution at nucleotide position 1340. The phenylalanine at codon 447 is replaced by cysteine, an amino acid with highly dissimilar properties. This variant was also observed in 1/3251 individuals who met eligibility criteria for hereditary breast and ovarian cancer syndrome (Lerner-Ellis J et al. J Cancer Res Clin Oncol, 2021 Mar;147:871-879). This amino acid position is not well conserved in available vertebrate species. In addition, this alteration is predicted to be tolerated by in silico analysis. Since supporting evidence is limited at this time, the clinical significance of this alteration remains unclear.

Sema4
Classification: Uncertain significance for Hereditary cancer-predisposing syndrome. Last evaluated: 2022-02-05. Review status: criteria provided, single submitter. Criteria: Sema4 Curation Guidelines. Collection method: curation. Allele origin: germline.
Comment: The CHEK2 c.1340T>G (p.F447C) variant has been reported in at least one female patient with suspected hereditary breast and ovarian cancer syndrome due to family history but she herself was unaffected (PMID: 32885271). This variant is not reported in the population database Genome Aggregation Database (PMID: 32461654) but has been reported in ClinVar (Variation ID: 233388). Functional studies have not been performed, and in silico predictions of the variant's effect on protein function are inconclusive. Based on the current evidence available, this variant is interpreted as a variant of uncertain significance.

Labcorp Genetics (formerly Invitae), Labcorp
Classification: Uncertain significance for Familial cancer of breast. Last evaluated: 2021-11-15. Review status: criteria provided, single submitter. Criteria: Invitae Variant Classification Sherloc (09022015). Collection method: clinical testing. Allele origin: germline.
Comment: In summary, the available evidence is currently insufficient to determine the role of this variant in disease. Therefore, it has been classified as a Variant of Uncertain Significance. Algorithms developed to predict the effect of missense changes on protein structure and function are either unavailable or do not agree on the potential impact of this missense change (SIFT: "Deleterious"; PolyPhen-2: "Probably Damaging"; Align-GVGD: "Class C0"). ClinVar contains an entry for this variant (Variation ID: 233388). This variant has not been reported in the literature in individuals affected with CHEK2-related conditions. This variant is not present in population databases (gnomAD no frequency). This sequence change replaces phenylalanine, which is neutral and non-polar, with cysteine, which is neutral and slightly polar, at codon 447 of the CHEK2 protein (p.Phe447Cys).

Department of Pathology and Laboratory Medicine, Sinai Health System
Classification: Uncertain significance. Review status: no assertion criteria provided. Collection method: clinical testing. Allele origin: unknown. Affected: yes. Observed: 1 variant allele. Study: The Canadian Open Genetics Repository (COGR). Not counted in ClinVar's aggregate classification.
Comment: The CHEK2 p.Phe447Cys variant was not identified in the literature nor was it identified in the following databases: dbSNP, Cosmic, MutDB, Zhejiang Colon Cancer Database, the 1000 Genomes Project, the NHLBI GO Exome Sequencing Project or the Exome Aggregation Consortium (August 8th 2016). The variant was identified in ClinVar (as uncertain significance by Ambry Genetics), and Clinvitae (1x). The p.Phe447 residue is not conserved in mammals and computational analyses (PolyPhen-2, SIFT, AlignGVGD, BLOSUM, MutationTaster) provide inconsistent predictions regarding the impact to the protein; this information is not very predictive of pathogenicity. The variant occurs outside of the splicing consensus sequence and in silico or computational prediction software programs (SpliceSiteFinder, MaxEntScan, NNSPLICE, GeneSplicer, HumanSpliceFinder) do not predict a difference in splicing. In summary, based on the above information the clinical significance of this variant cannot be determined with certainty at this time. This variant is classified as a variant of uncertain significance.

Literature cited by the submitters: PubMed 32885271 (cited by Ambry Genetics and Sema4).

NM_007194.4(CHEK2):c.1340T>G (p.Phe447Cys)

Gene: CHEK2 (checkpoint kinase 2; minus strand). Cytogenetic location: 22q12.1.
Variant type: single nucleotide variant.
Coding change: c.1340T>G on transcript NM_007194.4 (MANE Select); coding-DNA position 1340, T replaced by G.
Protein change: p.Phe447Cys; replaces phenylalanine 447 with cysteine.
Molecular consequence: missense variant.
Genome position (GRCh38, 1-based): chr22:28,695,162, A>C on the plus strand (T>G on the coding strand, the complement: CHEK2 is on the minus strand). VCF-style: chr22-28695162-A-C. GRCh37 (hg19) VCF-style: chr22-29091150-A-C.
Other names: c.1469T>G, p.Phe490Cys (NM_001005735.3); c.677T>G, p.Phe226Cys (NM_001257387.3); c.1139T>G, p.Phe380Cys (NM_001349956.3); c.1253T>G, p.Phe418Cys (NM_145862.3); short protein forms F447C, F226C, F380C, F490C, F418C.
Identifiers: ClinVar variation 233388 (VCV000233388.13), dbSNP rs876660373, ClinGen allele CA10581039.
Genomic context (GRCh38, chr22:28,695,162, plus strand): 5'-ATTCTTAACCCTTTCATATTCATACCTTTCTCTGAGACTTCTGCCCAGACTTCAGGAATG[A>C]AGTTGTATTTTCCACTGGTGATCTGATCCTTCAGTGACACTTGAGTCCTATGCTCAGAGA-3'
Protein context (NP_009125.1, residues 437-457): KDQITSGKYN[Phe447Cys]IPEVWAEVSE